The following is an entry in ClinVar:

ClinVar aggregate classification (germline): Uncertain significance. Review status: criteria provided, multiple submitters, no conflicts (2 of 4 stars). 3 submissions from 3 submitters: Uncertain significance (2). 1 of the submissions does not count toward it. Last evaluated 2024-02-27.

Conditions:
TTC8-related disorder. Also called: TTC8-related condition.
Bardet-Biedl syndrome 8 (BBS8). Identifiers: Orphanet 110, MedGen C1859566, MONDO:0014436, OMIM 615985.
Retinitis pigmentosa 51 (RP51). Identifiers: Orphanet 791, MedGen C3150715, MONDO:0013274, OMIM 613464.

gnomAD v4.1: 32 of 1,613,940 alleles (0.002%); highest among the groups gnomAD compares: Admixed American, 0.0033%; no homozygotes.

Submissions (3):

Fulgent Genetics
Classification: Uncertain significance for Retinitis pigmentosa 51; Bardet-Biedl syndrome 8. Last evaluated: 2024-02-27. Review status: criteria provided, single submitter. Criteria: ACMG Guidelines, 2015. Collection method: clinical testing. Allele origin: germline.

Blueprint Genetics
Classification: Uncertain significance. Last evaluated: 2022-04-25. Review status: criteria provided, single submitter. Criteria: ACMG Guidelines, 2015. Collection method: clinical testing. Allele origin: germline.

PreventionGenetics, part of Exact Sciences
Classification: Uncertain significance for TTC8-related condition. Last evaluated: 2024-01-03. Review status: no assertion criteria provided. Collection method: clinical testing. Allele origin: germline. Not counted in ClinVar's aggregate classification.
Comment: The TTC8 c.1309C>G variant is predicted to result in the amino acid substitution p.Leu437Val. To our knowledge, this variant has not been reported in the literature. This variant is reported in 0.0039% of alleles in individuals of European (Non-Finnish) descent in gnomAD. At this time, the clinical significance of this variant is uncertain due to the absence of conclusive functional and genetic evidence.

NM_144596.4(TTC8):c.1309C>G (p.Leu437Val)

Gene: TTC8 (tetratricopeptide repeat domain 8; plus strand). Cytogenetic location: 14q31.3.
Variant type: single nucleotide variant.
Coding change: c.1309C>G on transcript NM_144596.4 (MANE Select); coding-DNA position 1309, C replaced by G.
Protein change: p.Leu437Val; replaces leucine 437 with valine.
Molecular consequence: missense variant. On other transcripts: non-coding transcript variant (1).
Genome position (GRCh38, 1-based): chr14:88,872,414, C>G. VCF-style: chr14-88872414-C-G. GRCh37 (hg19) VCF-style: chr14-89338758-C-G.
Other names: c.1357C>G, p.Leu453Val (NM_001288781.1); c.715C>G, p.Leu239Val (NM_001288782.1); c.592C>G, p.Leu198Val (NM_001288783.1); c.1279C>G, p.Leu427Val (NM_001366535.2, NM_198309.3); c.1189C>G, p.Leu397Val (NM_001366536.2, NM_198310.3); short protein forms L198V, L239V, L397V, L427V, L437V, L453V.
Identifiers: ClinVar variation 3358058 (VCV003358058.3).